The following is an entry in ClinVar:

ClinVar aggregate classification (germline): Uncertain significance (1 of 4 stars; one submission).

Allele frequency attached by ClinVar (database versions not stated): gnomAD exomes 0.00002; ExAC 0.00010; ESP Exome Variant Server 0.00023; TOPMed 0.00026; gnomAD 0.00028; 1000 Genomes Project 30x 0.00031; 1000 Genomes Project 0.00040.
gnomAD v4.1: 73 of 1,613,148 alleles (0.0045%); highest among the groups gnomAD compares: African/African-American, 0.087%; no homozygotes.

Submission:

Labcorp Genetics (formerly Invitae), Labcorp
Classification: Uncertain significance. Last evaluated: 2024-10-25. Review status: criteria provided, single submitter. Criteria: Invitae Variant Classification Sherloc (09022015). Collection method: clinical testing. Allele origin: germline.
Comment: This sequence change replaces aspartic acid, which is acidic and polar, with asparagine, which is neutral and polar, at codon 647 of the LIG1 protein (p.Asp647Asn). This variant is present in population databases (rs56105837, gnomAD 0.08%). This variant has not been reported in the literature in individuals affected with LIG1-related conditions. ClinVar contains an entry for this variant (Variation ID: 1921911). An algorithm developed to predict the effect of missense changes on protein structure and function (PolyPhen-2) suggests that this variant is likely to be tolerated. In summary, the available evidence is currently insufficient to determine the role of this variant in disease. Therefore, it has been classified as a Variant of Uncertain Significance.

NM_000234.3(LIG1):c.1939G>A (p.Asp647Asn)

Gene: LIG1 (DNA ligase 1; minus strand). Cytogenetic location: 19q13.33.
Variant type: single nucleotide variant.
Coding change: c.1939G>A on transcript NM_000234.3 (MANE Select); coding-DNA position 1939, G replaced by A.
Protein change: p.Asp647Asn; replaces aspartic acid 647 with asparagine.
Molecular consequence: missense variant. On other transcripts: non-coding transcript variant (6).
Genome position (GRCh38, 1-based): chr19:48,127,342, C>T on the plus strand (G>A on the coding strand, the complement: LIG1 is on the minus strand). VCF-style: chr19-48127342-C-T. GRCh37 (hg19) VCF-style: chr19-48630599-C-T.
Other names: c.1846G>A, p.Asp616Asn (NM_001289063.2); c.1735G>A, p.Asp579Asn (NM_001289064.2); c.1936G>A, p.Asp646Asn (NM_001320970.2); c.1849G>A, p.Asp617Asn (NM_001320971.2); short protein forms D646N, D579N, D647N, D616N, D617N.
Identifiers: ClinVar variation 1921911 (VCV001921911.5), dbSNP rs56105837, ClinGen allele CA9546614.
Genomic context (GRCh38, chr19:48,127,342, plus strand): 5'-CATTGAGGTAGATGAGGTCGAAGGCGTACAAACACACCTGCACCTGGATCTCAGACGCAT[C>T]CACCTCCTGGGTTGGGGCACAACGGAGTTCGTGAGTGCAGGAAGGTGAGACGGGGCACTG-3'
Protein context (NP_000225.1, residues 637-657): VLTTRKRKEV[Asp647Asn]ASEIQVQVCL